The following is an entry in ClinVar:

NM_002691.4(POLD1):c.2953C>G (p.Arg985Gly)

Gene: POLD1 (DNA polymerase delta 1, catalytic subunit; plus strand). Cytogenetic location: 19q13.33.
Variant type: single nucleotide variant.
Coding change: c.2953C>G on transcript NM_002691.4 (MANE Select); coding-DNA position 2953, C replaced by G.
Protein change: p.Arg985Gly; replaces arginine 985 with glycine.
Molecular consequence: missense variant. On other transcripts: non-coding transcript variant (1).
Genome position (GRCh38, 1-based): chr19:50,416,528, C>G. VCF-style: chr19-50416528-C-G. GRCh37 (hg19) VCF-style: chr19-50919785-C-G.
Other names: c.2953C>G, p.Arg985Gly (NM_001256849.1); c.3031C>G, p.Arg1011Gly (NM_001308632.1); short protein forms R1011G, R985G.
Identifiers: ClinVar variation 578840 (VCV000578840.8), dbSNP rs780926432, ClinGen allele CA406986712.

ClinVar aggregate classification (germline): Uncertain significance (1 of 4 stars; one submission).

Conditions:
POLD1-related polyposis and colorectal cancer syndrome (CRCS10). Also called: Colorectal cancer 10; COLORECTAL CANCER, SUSCEPTIBILITY TO, ON CHROMOSOME 19q; Colorectal cancer, susceptibility to, 10. Identifiers: Orphanet 220460, MedGen C2675481, MONDO:0012953, OMIM 612591.

Submission:

Labcorp Genetics (formerly Invitae), Labcorp
Classification: Uncertain significance for POLD1-related polyposis and colorectal cancer syndrome. Last evaluated: 2020-11-21. Review status: criteria provided, single submitter. Criteria: Invitae Variant Classification Sherloc (09022015). Collection method: clinical testing. Allele origin: germline.
Comment: Algorithms developed to predict the effect of missense changes on protein structure and function do not agree on the potential impact of this missense change (SIFT: "Deleterious"; PolyPhen-2: "Possibly Damaging"; Align-GVGD: "Class C0"). In summary, the available evidence is currently insufficient to determine the role of this variant in disease. Therefore, it has been classified as a Variant of Uncertain Significance. Algorithms developed to predict the effect of sequence changes on RNA splicing suggest that this variant may create or strengthen a splice site, but this prediction has not been confirmed by published transcriptional studies. This variant has not been reported in the literature in individuals with POLD1-related disease. This variant is not present in population databases (ExAC no frequency). This sequence change replaces arginine with glycine at codon 985 of the POLD1 protein (p.Arg985Gly). The arginine residue is weakly conserved and there is a moderate physicochemical difference between arginine and glycine.